The following is an entry in ClinVar:

ClinVar aggregate classification (germline): Uncertain significance (1 of 4 stars; one submission).

gnomAD v4.1: 5 of 1,613,648 alleles (0.00031%); highest among the groups gnomAD compares: African/African-American, 0.0013%; no homozygotes.

Submission:

Labcorp Genetics (formerly Invitae), Labcorp
Classification: Uncertain significance. Last evaluated: 2025-08-03. Review status: criteria provided, single submitter. Criteria: Invitae Variant Classification Sherloc (09022015). Collection method: clinical testing. Allele origin: germline.
Comment: This sequence change replaces arginine, which is basic and polar, with leucine, which is neutral and non-polar, at codon 1124 of the SORL1 protein (p.Arg1124Leu). This variant is present in population databases (no rsID available, gnomAD 0.0009%). This variant has not been reported in the literature in individuals affected with SORL1-related conditions. An algorithm developed to predict the effect of missense changes on protein structure and function (PolyPhen-2) suggests that this variant is likely to be disruptive. In summary, the available evidence is currently insufficient to determine the role of this variant in disease. Therefore, it has been classified as a Variant of Uncertain Significance.

NM_003105.6(SORL1):c.3371G>T (p.Arg1124Leu)

Gene: SORL1 (sortilin related receptor 1; plus strand). Cytogenetic location: 11q24.1.
Variant type: single nucleotide variant.
Coding change: c.3371G>T on transcript NM_003105.6 (MANE Select); coding-DNA position 3371, G replaced by T.
Protein change: p.Arg1124Leu; replaces arginine 1124 with leucine.
Molecular consequence: missense variant.
Genome position (GRCh38, 1-based): chr11:121,574,274, G>T. VCF-style: chr11-121574274-G-T. GRCh37 (hg19) VCF-style: chr11-121444983-G-T.
Other names: short protein forms R1124L.
Identifiers: ClinVar variation 4701556 (VCV004701556.1).